The following is an entry in ClinVar:

NM_002087.4(GRN):c.614C>A (p.Ser205Ter)

Gene: GRN (granulin precursor; plus strand). Cytogenetic location: 17q21.31.
Variant type: single nucleotide variant.
Coding change: c.614C>A on transcript NM_002087.4 (MANE Select); coding-DNA position 614, C replaced by A.
Protein change: p.Ser205Ter; replaces serine 205 with a stop codon.
Molecular consequence: nonsense.
Genome position (GRCh38, 1-based): chr17:44,350,706, C>A. VCF-style: chr17-44350706-C-A. GRCh37 (hg19) VCF-style: chr17-42428074-C-A.
Other names: short protein forms S205*.
Identifiers: ClinVar variation 1072132 (VCV001072132.10), dbSNP rs777211749, ClinGen allele CA399764129.

ClinVar aggregate classification (germline): Pathogenic (1 of 4 stars; one submission).

Conditions:
Neuronal ceroid lipofuscinosis 11. Also called: GRN-Related Neuronal Ceroid-Lipofuscinosis. Identifiers: Orphanet 314629, Orphanet 79262, MedGen C3539123, MONDO:0013866, OMIM 614706.
GRN-related frontotemporal lobar degeneration with Tdp43 inclusions (FTD2). Also called: FRONTOTEMPORAL DEMENTIA WITH TDP43 INCLUSIONS, GRN-RELATED; GRN Frontotemporal Dementia; DEMENTIA, HEREDITARY DYSPHASIC DISINHIBITION; FRONTOTEMPORAL LOBAR DEGENERATION WITH UBIQUITIN-POSITIVE INCLUSIONS; FTLD-TDP, GRN-RELATED. Identifiers: Orphanet 100070, Orphanet 282, MedGen C1843792, MONDO:0011842, OMIM 607485. Disease mechanism: loss of function.

gnomAD v4.1: 1 of 1,613,938 alleles (0.000062%); highest among the groups gnomAD compares: Non-Finnish European, 0.000085%; no homozygotes.

Submission:

Labcorp Genetics (formerly Invitae), Labcorp
Classification: Pathogenic for Neuronal ceroid lipofuscinosis 11; GRN-related frontotemporal lobar degeneration with Tdp43 inclusions. Last evaluated: 2020-01-18. Review status: criteria provided, single submitter. Criteria: Invitae Variant Classification Sherloc (09022015). Collection method: clinical testing. Allele origin: germline.
Comment: This variant has been observed in individual(s) with frontotemporal dementia (Invitae). For these reasons, this variant has been classified as Pathogenic. Loss-of-function variants in GRN are known to be pathogenic (PMID: 22608501). Algorithms developed to predict the effect of sequence changes on RNA splicing suggest that this variant may create or strengthen a splice site, but this prediction has not been confirmed by published transcriptional studies. This variant is not present in population databases (ExAC no frequency). This sequence change creates a premature translational stop signal (p.Ser205*) in the GRN gene. It is expected to result in an absent or disrupted protein product.

Literature cited by the submitters: PubMed 22608501.